The following is an entry in ClinVar:

ClinVar aggregate classification (germline): Conflicting classifications of pathogenicity. Review status: criteria provided, conflicting classifications (1 of 4 stars). 3 submissions from 3 submitters: Uncertain significance (1); Likely benign (1). 1 of the submissions does not count toward it. Last evaluated 2024-02-05.

Conditions:
PLEC-related disorder. Also called: PLEC-related condition; PLEC-related disorders.
PLEC-related epidermolysis bullosa.
Epidermolysis bullosa simplex 5C, with pyloric atresia (EBS5C). Also called: PLEC-Related Epidermolysis Bullosa with Pyloric Atresia; Epidermolysis bullosa simplex with pyloric atresia; PLEC1-Related Epidermolysis Bullosa with Pyloric Atresia. Identifiers: Orphanet 158684, MedGen C2677349, MONDO:0012807, OMIM 612138.
Autosomal recessive limb-girdle muscular dystrophy type 2Q (LGMDR17). Also called: MUSCULAR DYSTROPHY, LIMB-GIRDLE, AUTOSOMAL RECESSIVE 17. Identifiers: Orphanet 254361, MedGen C3150989, MONDO:0013390, OMIM 613723.
Epidermolysis bullosa simplex with nail dystrophy (EBS5D). Identifiers: MedGen C4225309, MONDO:0014661, OMIM 616487.
Epidermolysis bullosa simplex 5B, with muscular dystrophy (EBS5B). Also called: EPIDERMOLYSIS BULLOSA SIMPLEX AND LIMB-GIRDLE MUSCULAR DYSTROPHY; Epidermolysis bullosa simplex with muscular dystrophy. Identifiers: Orphanet 257, MedGen C2931072, MONDO:0009181, OMIM 226670.
Epidermolysis bullosa simplex, Ogna type (EBS5A). Also called: Pidermolysis bullosa simplex 5A, Ogna type; EPIDERMOLYSIS BULLOSA SIMPLEX 5A, OGNA TYPE. Identifiers: Orphanet 79401, MedGen C0432317, MONDO:0007555, OMIM 131950.

Allele frequency attached by ClinVar (database versions not stated): ExAC 0.00004; gnomAD exomes 0.00004; ESP Exome Variant Server 0.00008; gnomAD 0.00008; TOPMed 0.00009; 1000 Genomes Project 30x 0.00016; 1000 Genomes Project 0.00020.
gnomAD v4.1: 21 of 1,611,812 alleles (0.0013%); highest among the groups gnomAD compares: African/African-American, 0.025%; no homozygotes.

Submissions (3):

Labcorp Genetics (formerly Invitae), Labcorp
Classification: Likely benign for Autosomal recessive limb-girdle muscular dystrophy type 2Q; Epidermolysis bullosa simplex, Ogna type; Epidermolysis bullosa simplex with nail dystrophy; Epidermolysis bullosa simplex 5C, with pyloric atresia; Epidermolysis bullosa simplex 5B, with muscular dystrophy. Last evaluated: 2024-02-05. Review status: criteria provided, single submitter. Criteria: Invitae Variant Classification Sherloc (09022015). Collection method: clinical testing. Allele origin: germline.

Illumina Laboratory Services, Illumina
Classification: Uncertain significance for PLEC-related epidermolysis bullosa. Last evaluated: 2020-08-03. Review status: criteria provided, single submitter. Criteria: ICSLVariantClassificationCriteria RUGD 01 April 2020. Collection method: clinical testing. Allele origin: unknown.
Comment: The PLEC c.423+7C>T variant is a splice region variant. A literature search was performed for the gene and cDNA change. No publications were found based on this search. This variant is found at a frequency of 0.000499 in the African population of the Genome Aggregation Database. Based on the limited evidence, the c.423+7C>T variant is classified as a variant of uncertain significance for PLEC-related epidermolysis bullosa.

PreventionGenetics, part of Exact Sciences
Classification: Likely benign for PLEC-related condition. Last evaluated: 2022-05-11. Review status: no assertion criteria provided. Collection method: clinical testing. Allele origin: germline. Not counted in ClinVar's aggregate classification.
Comment: This variant is classified as likely benign based on ACMG/AMP sequence variant interpretation guidelines (Richards et al. 2015 PMID: 25741868, with internal and published modifications).

NM_201384.3(PLEC):c.342+7C>T

Gene: PLEC (plectin; minus strand). Cytogenetic location: 8q24.3.
Variant type: single nucleotide variant.
Coding change: c.342+7C>T on transcript NM_201384.3 (MANE Select); 7 bases into the intron after coding-DNA position 342, C replaced by T.
Molecular consequence: intron variant.
Genome position (GRCh38, 1-based): chr8:143,937,158, G>A on the plus strand (C>T on the coding strand, the complement: PLEC is on the minus strand). VCF-style: chr8-143937158-G-A. GRCh37 (hg19) VCF-style: chr8-145011326-G-A.
Other names: c.423+7C>T (NM_000445.5); c.300+7C>T (NM_201378.4); c.276+7C>T (NM_201379.3); c.753+7C>T (NM_201380.4); c.246+7C>T (NM_201381.3); c.342+7C>T (NM_201382.4); c.354+7C>T (NM_201383.3).
Identifiers: ClinVar variation 706729 (VCV000706729.15), dbSNP rs367808541, ClinGen allele CA4928490.